The following is an entry in ClinVar:

ClinVar aggregate classification (germline): Conflicting classifications of pathogenicity. Review status: criteria provided, conflicting classifications (1 of 4 stars). 6 submissions from 6 submitters: Uncertain significance (2); Benign (1); Likely benign (2). 1 of the submissions does not count toward it. Last evaluated 2026-09-01.

Conditions:
SIM1-related disorder. Also called: SIM1-related condition; SIM1-related disorders.
Obesity due to SIM1 deficiency. Identifiers: Orphanet 369873, MedGen C5191050, MONDO:0018244.

Allele frequency attached by ClinVar (database versions not stated): gnomAD 0.00074 and 0.00073; TOPMed 0.00078; 1000 Genomes Project 0.00120; 1000 Genomes Project 30x 0.00125; ExAC 0.00061; ESP Exome Variant Server 0.00069; gnomAD exomes 0.00073.
gnomAD v4.1: 1,606 of 1,614,068 alleles (0.1%); highest among the groups gnomAD compares: Admixed American, 0.16%; 1 homozygote.

Submissions (6):

CeGaT Center for Human Genetics Tuebingen
Classification: Likely benign. Last evaluated: 2026-09-01. Review status: criteria provided, single submitter. Criteria: CeGaT Center For Human Genetics Tuebingen Variant Classification Criteria Version 2. Collection method: clinical testing. Allele origin: germline. Affected: yes. Observed: 1 variant allele.
Comment: SIM1: BP4, BP7

Labcorp Genetics (formerly Invitae), Labcorp
Classification: Benign. Last evaluated: 2025-12-14. Review status: criteria provided, single submitter. Criteria: Invitae Variant Classification Sherloc (09022015). Collection method: clinical testing. Allele origin: germline.

Blueprint Genetics
Classification: Likely benign. Last evaluated: 2024-11-04. Review status: criteria provided, single submitter. Criteria: ACMG Guidelines, 2015. Collection method: clinical testing. Allele origin: germline.

Illumina Laboratory Services, Illumina
Classification: Uncertain significance for Obesity due to SIM1 deficiency. Last evaluated: 2017-04-27. Review status: criteria provided, single submitter. Criteria: ICSL Variant Classification Criteria 13 December 2019. Collection method: clinical testing. Allele origin: germline.
Comment: This variant was observed as part of a predisposition screen in an ostensibly healthy population. A literature search was performed for the gene, cDNA change, and amino acid change (where applicable). Publications were found based on this search. However, the evidence from the literature, in combination with allele frequency data from public databases where available, was not sufficient to rule this variant in or out of causing disease. Therefore, this variant is classified as a variant of unknown significance.

Eurofins Ntd Llc (ga)
Classification: Uncertain significance. Last evaluated: 2016-02-02. Review status: criteria provided, single submitter. Criteria: EGL Classification Definitions 2015. Collection method: clinical testing. Allele origin: germline. Observed: 1 variant allele, 1 heterozygote.

PreventionGenetics, part of Exact Sciences
Classification: Likely benign for SIM1-related condition. Last evaluated: 2019-09-18. Review status: no assertion criteria provided. Collection method: clinical testing. Allele origin: germline. Not counted in ClinVar's aggregate classification.
Comment: This variant is classified as likely benign based on ACMG/AMP sequence variant interpretation guidelines (Richards et al. 2015 PMID: 25741868, with internal and published modifications).

Literature cited by the submitters: PubMed 24097297 (cited by Illumina Laboratory Services, Illumina).

NM_005068.3(SIM1):c.279C>T (p.Phe93=)

Gene: SIM1 (SIM bHLH transcription factor 1; minus strand). Cytogenetic location: 6q16.3.
Variant type: single nucleotide variant.
Coding change: c.279C>T on transcript NM_005068.3 (MANE Select); coding-DNA position 279, C replaced by T.
Protein change: p.Phe93=; no amino-acid change (phenylalanine 93 retained).
Molecular consequence: synonymous variant.
Genome position (GRCh38, 1-based): chr6:100,450,336, G>A on the plus strand (C>T on the coding strand, the complement: SIM1 is on the minus strand). VCF-style: chr6-100450336-G-A. GRCh37 (hg19) VCF-style: chr6-100898212-G-A.
Other names: c.279C>T, p.Phe93= (NM_001374769.1).
Identifiers: ClinVar variation 285978 (VCV000285978.21), dbSNP rs145361258, ClinGen allele CA3937354.